The following is an entry in ClinVar:

ClinVar aggregate classification (germline): Conflicting classifications of pathogenicity. Review status: criteria provided, conflicting classifications (1 of 4 stars). 2 submissions from 2 submitters: Uncertain significance (1); Likely benign (1). Last evaluated 2025-04-03.

Conditions:
Hereditary cancer-predisposing syndrome. Also called: Neoplastic Syndromes, Hereditary; Tumor predisposition; Hereditary neoplastic syndrome; Hereditary Cancer Syndrome. Identifiers: Orphanet 140162, MedGen C0027672, MeSH D009386, MONDO:0015356.
Rhabdoid tumor predisposition syndrome 2 (RTPS2). Identifiers: Orphanet 231108, Orphanet 69077, MedGen C2750074, MONDO:0013224, OMIM 613325.

Allele frequency attached by ClinVar (database versions not stated): gnomAD exomes below 0.00001; gnomAD 0.00001.
gnomAD v4.1: 3 of 1,612,156 alleles (0.00019%); highest among the groups gnomAD compares: Non-Finnish European, 0.00025%; no homozygotes.

Submissions (2):

Labcorp Genetics (formerly Invitae), Labcorp
Classification: Uncertain significance for Rhabdoid tumor predisposition syndrome 2. Last evaluated: 2025-04-03. Review status: criteria provided, single submitter. Criteria: Invitae Variant Classification Sherloc (09022015). Collection method: clinical testing. Allele origin: germline.
Comment: This sequence change replaces alanine, which is neutral and non-polar, with valine, which is neutral and non-polar, at codon 843 of the SMARCA4 protein (p.Ala843Val). This variant is not present in population databases (gnomAD no frequency). This variant has not been reported in the literature in individuals affected with SMARCA4-related conditions. ClinVar contains an entry for this variant (Variation ID: 580909). Invitae Evidence Modeling of protein sequence and biophysical properties (such as structural, functional, and spatial information, amino acid conservation, physicochemical variation, residue mobility, and thermodynamic stability) has been performed for this missense variant. However, the output from this modeling did not meet the statistical confidence thresholds required to predict the impact of this variant on SMARCA4 protein function. In summary, the available evidence is currently insufficient to determine the role of this variant in disease. Therefore, it has been classified as a Variant of Uncertain Significance.

Ambry Genetics
Classification: Likely benign for Hereditary cancer-predisposing syndrome. Last evaluated: 2024-12-03. Review status: criteria provided, single submitter. Criteria: Ambry Variant Classification Scheme 2023. Collection method: clinical testing. Allele origin: germline.

NM_003072.5(SMARCA4):c.2528C>T (p.Ala843Val)

Gene: SMARCA4 (SWI/SNF related BAF chromatin remodeling complex subunit ATPase 4; plus strand). Cytogenetic location: 19p13.2.
Variant type: single nucleotide variant.
Coding change: c.2528C>T on transcript NM_003072.5 (MANE Select); coding-DNA position 2528, C replaced by T.
Protein change: p.Ala843Val; replaces alanine 843 with valine.
Molecular consequence: missense variant. On other transcripts: non-coding transcript variant (1).
Genome position (GRCh38, 1-based): chr19:11,019,613, C>T. VCF-style: chr19-11019613-C-T. GRCh37 (hg19) VCF-style: chr19-11130289-C-T.
Other names: c.2528C>T, p.Ala843Val (NM_001128849.3, NM_001374457.1, NM_001387283.1 and 5 more transcripts); short protein forms A843V.
Identifiers: ClinVar variation 580909 (VCV000580909.12), dbSNP rs1568482840, ClinGen allele CA404054318.